The following is an entry in ClinVar:

ClinVar aggregate classification (germline): Uncertain significance (1 of 4 stars; one submission).

Conditions:
Hereditary cancer-predisposing syndrome. Also called: Neoplastic Syndromes, Hereditary; Tumor predisposition; Hereditary Cancer Syndrome; Hereditary neoplastic syndrome. Identifiers: Orphanet 140162, MedGen C0027672, MeSH D009386, MONDO:0015356.

Submission:

Ambry Genetics
Classification: Uncertain significance for Hereditary cancer-predisposing syndrome. Last evaluated: 2025-11-14. Review status: criteria provided, single submitter. Criteria: Ambry Variant Classification Scheme 2023. Collection method: clinical testing. Allele origin: germline.
Comment: The p.V43E variant (also known as c.128T>A), located in coding exon 2 of the PMS2 gene, results from a T to A substitution at nucleotide position 128. The valine at codon 43 is replaced by glutamic acid, an amino acid with dissimilar properties. This amino acid position is conserved. In addition, this alteration is predicted to be deleterious by in silico analysis. Based on the available evidence, the clinical significance of this variant remains unclear.

NM_000535.7(PMS2):c.128T>A (p.Val43Glu)

Gene: PMS2 (PMS1 homolog 2, mismatch repair system component; minus strand). Cytogenetic location: 7p22.1.
Variant type: single nucleotide variant.
Coding change: c.128T>A on transcript NM_000535.7 (MANE Select); coding-DNA position 128, T replaced by A.
Protein change: p.Val43Glu; replaces valine 43 with glutamic acid.
Molecular consequence: missense variant. On other transcripts: 5 prime UTR variant (38), non-coding transcript variant (1), intron variant (7).
Genome position (GRCh38, 1-based): chr7:6,005,927, A>T on the plus strand (T>A on the coding strand, the complement: PMS2 is on the minus strand). VCF-style: chr7-6005927-A-T. GRCh37 (hg19) VCF-style: chr7-6045558-A-T.
Other names: c.-225T>A (NM_001406904.1, NM_001406907.1, NM_001406909.1 and 5 more transcripts); c.-278T>A (NM_001406905.1, NM_001406906.1, NM_001406908.1 and 10 more transcripts); c.128T>A, p.Val43Glu (NM_001406912.1, NM_001322006.2, NM_001322014.2 and 10 more transcripts); c.-218-1869T>A (NM_001406881.1); c.-189-1869T>A (NM_001406895.1); c.-242-1869T>A (NM_001406911.1, NM_001322010.2, NM_001322004.2); c.-52-1869T>A (NM_001322008.2); c.-88T>A (NM_001322007.2, NM_001406876.1, NM_001406883.1 and 4 more transcripts); and 7 more; short protein forms V105E, V43E.
Identifiers: ClinVar variation 4667616 (VCV004667616.1).